The following is an entry in ClinVar:

NM_018834.6(MATR3):c.1492A>G (p.Ile498Val)

Gene: MATR3 (matrin 3; plus strand). Cytogenetic location: 5q31.2.
Variant type: single nucleotide variant.
Coding change: c.1492A>G on transcript NM_018834.6 (MANE Select); coding-DNA position 1492, A replaced by G.
Protein change: p.Ile498Val; replaces isoleucine 498 with valine.
Molecular consequence: missense variant.
Genome position (GRCh38, 1-based): chr5:139,319,391, A>G. VCF-style: chr5-139319391-A-G. GRCh37 (hg19) VCF-style: chr5-138655080-A-G.
Other names: c.1492A>G, p.Ile498Val (NM_001194954.2, NM_001194955.2, NM_001400441.1 and 16 more transcripts); c.628A>G, p.Ile210Val (NM_001194956.2); c.478A>G, p.Ile160Val (NM_001282278.2, NM_001400460.1, NM_001400462.1 and 5 more transcripts); c.631A>G, p.Ile211Val (NM_001400459.1); c.592A>G, p.Ile198Val (NM_001400461.1); short protein forms I198V, I211V, I498V, I210V, I160V.
Identifiers: ClinVar variation 3123988 (VCV003123988.3), dbSNP rs752503295, ClinGen allele CA3433171.

ClinVar aggregate classification (germline): Uncertain significance. Review status: criteria provided, multiple submitters, no conflicts (2 of 4 stars). 2 submissions from 2 submitters: Uncertain significance (2). Last evaluated 2024-05-09.

Conditions:
Inborn genetic diseases. Identifiers: MedGen C0950123, MeSH D030342.
Amyotrophic lateral sclerosis type 21. Also called: VOCAL CORD AND PHARYNGEAL DYSFUNCTION WITH DISTAL MYOPATHY; MYOPATHY, DISTAL, 2. Identifiers: Orphanet 600, Orphanet 803, MedGen C3807521, MONDO:0011632, OMIM 606070.

Allele frequency attached by ClinVar (database versions not stated): ExAC 0.00001.
gnomAD v4.1: 13 of 1,614,210 alleles (0.00081%); highest among the groups gnomAD compares: Non-Finnish European, 0.0011%; no homozygotes.

Submissions (2):

Labcorp Genetics (formerly Invitae), Labcorp
Classification: Uncertain significance for Amyotrophic lateral sclerosis type 21. Last evaluated: 2024-05-09. Review status: criteria provided, single submitter. Criteria: Invitae Variant Classification Sherloc (09022015). Collection method: clinical testing. Allele origin: germline.
Comment: This sequence change replaces isoleucine, which is neutral and non-polar, with valine, which is neutral and non-polar, at codon 498 of the MATR3 protein (p.Ile498Val). This variant is present in population databases (rs752503295, gnomAD 0.002%). This variant has not been reported in the literature in individuals affected with MATR3-related conditions. Advanced modeling of protein sequence and biophysical properties (such as structural, functional, and spatial information, amino acid conservation, physicochemical variation, residue mobility, and thermodynamic stability) performed at Invitae indicates that this missense variant is not expected to disrupt MATR3 protein function with a negative predictive value of 80%. In summary, the available evidence is currently insufficient to determine the role of this variant in disease. Therefore, it has been classified as a Variant of Uncertain Significance.

Ambry Genetics
Classification: Uncertain significance for Inborn genetic diseases. Last evaluated: 2024-03-12. Review status: criteria provided, single submitter. Criteria: Ambry Variant Classification Scheme 2023. Collection method: clinical testing. Allele origin: germline.